The following is an entry in ClinVar:

ClinVar aggregate classification (germline): Uncertain significance (1 of 4 stars; one submission).

gnomAD v4.1: 3 of 1,613,962 alleles (0.00019%); highest among the groups gnomAD compares: Non-Finnish European, 0.00025%; no homozygotes.

Submission:

Labcorp Genetics (formerly Invitae), Labcorp
Classification: Uncertain significance. Last evaluated: 2024-05-23. Review status: criteria provided, single submitter. Criteria: Invitae Variant Classification Sherloc (09022015). Collection method: clinical testing. Allele origin: germline.
Comment: This sequence change replaces valine, which is neutral and non-polar, with phenylalanine, which is neutral and non-polar, at codon 546 of the ADGRA3 protein (p.Val546Phe). This variant is not present in population databases (gnomAD no frequency). This variant has not been reported in the literature in individuals affected with ADGRA3-related conditions. An algorithm developed to predict the effect of missense changes on protein structure and function (PolyPhen-2) suggests that this variant is likely to be tolerated. In summary, the available evidence is currently insufficient to determine the role of this variant in disease. Therefore, it has been classified as a Variant of Uncertain Significance.

NM_145290.4(ADGRA3):c.1636G>T (p.Val546Phe)

Gene: ADGRA3 (adhesion G protein-coupled receptor A3; minus strand). Cytogenetic location: 4p15.2.
Variant type: single nucleotide variant.
Coding change: c.1636G>T on transcript NM_145290.4 (MANE Select); coding-DNA position 1636, G replaced by T.
Protein change: p.Val546Phe; replaces valine 546 with phenylalanine.
Molecular consequence: missense variant.
Genome position (GRCh38, 1-based): chr4:22,421,059, C>A on the plus strand (G>T on the coding strand, the complement: ADGRA3 is on the minus strand). VCF-style: chr4-22421059-C-A. GRCh37 (hg19) VCF-style: chr4-22422682-C-A.
Other names: short protein forms V546F.
Identifiers: ClinVar variation 3617467 (VCV003617467.2).